The following is an entry in ClinVar:

ClinVar aggregate classification (germline): Conflicting classifications of pathogenicity. Review status: criteria provided, conflicting classifications (1 of 4 stars). 2 submissions from 2 submitters: Likely pathogenic (1); Uncertain significance (1). Last evaluated 2025-04-28.

Conditions:
Autosomal recessive limb-girdle muscular dystrophy type 2J (LGMDR10). Also called: Limb-girdle muscular dystrophy, type 2J; MUSCULAR DYSTROPHY, LIMB-GIRDLE, AUTOSOMAL RECESSIVE 10. Identifiers: Orphanet 140922, MedGen C1837342, MONDO:0012127, OMIM 608807.
Dilated cardiomyopathy 1G (CMD1G). Identifiers: Orphanet 154, MedGen C1858763, MONDO:0011400, OMIM 604145.

Submissions (2):

GeneDx
Classification: Uncertain significance. Last evaluated: 2025-04-28. Review status: criteria provided, single submitter. Criteria: GeneDx Variant Classification Process June 2021. Collection method: clinical testing. Allele origin: germline. Affected: yes.
Comment: Not observed at significant frequency in large population cohorts (gnomAD); Frameshift variant predicted to result in protein truncation or nonsense mediated decay in a gene or region of a gene for which loss of function is not a well-established mechanism of disease; Has not been previously published as pathogenic or benign to our knowledge

Labcorp Genetics (formerly Invitae), Labcorp
Classification: Likely pathogenic for Dilated cardiomyopathy 1G; Autosomal recessive limb-girdle muscular dystrophy type 2J. Last evaluated: 2025-04-11. Review status: criteria provided, single submitter. Criteria: Invitae Variant Classification Sherloc (09022015). Collection method: clinical testing. Allele origin: germline.
Comment: This sequence change creates a premature translational stop signal (p.Ser9366Profs*31) in the TTN gene. While this is not anticipated to result in nonsense mediated decay, it is expected to create a truncated TTN protein. This variant is not present in population databases (gnomAD no frequency). This variant has not been reported in the literature in individuals affected with TTN-related conditions. This variant is located in the I band of TTN (PMID: 25589632). Truncating variants in this region have been reported in individuals affected with autosomal recessive centronuclear myopathy (PMID: 23975875, internal data). Truncating variants in this region have also been identified in individuals affected with autosomal dominant dilated cardiomyopathy and/or cardio-related conditions (PMID: 27869827, 32964742, internal data). In summary, the currently available evidence indicates that the variant is pathogenic, but additional data are needed to prove that conclusively. Therefore, this variant has been classified as Likely Pathogenic.

Literature cited by the submitters: PubMed 25589632 (cited by Labcorp Genetics (formerly Invitae), Labcorp); PubMed 23975875 (cited by Labcorp Genetics (formerly Invitae), Labcorp); PubMed 27869827 (cited by Labcorp Genetics (formerly Invitae), Labcorp); PubMed 32964742 (cited by Labcorp Genetics (formerly Invitae), Labcorp).

NM_001267550.2(TTN):c.28096_28106del (p.Ser9366fs)

Gene: TTN (titin; minus strand). Cytogenetic location: 2q31.2.
Variant type: Deletion.
Coding change: c.28096_28106del on transcript NM_001267550.2 (MANE Select); coding-DNA positions 28096 to 28106, 11 bases deleted (AGCCTTGCAGG).
Protein change: p.Ser9366fs; shifts the reading frame from serine 9366.
Molecular consequence: frameshift variant. On other transcripts: intron variant (3).
Genome position (GRCh38, 1-based): chr2:178,711,130-178,711,140, CCTGCAAGGCT deleted on the plus strand (AGCCTTGCAGG on the coding strand, the reverse complement: TTN is on the minus strand); deleting any 11 consecutive bases within chr2:178,711,130-178,711,142 gives the same sequence; the c. name uses the placement nearest the transcript's 3' end. VCF-style (leftmost placement, unchanged base first): chr2-178711129-GCCTGCAAGGCT-G. GRCh37 (hg19) VCF-style: chr2-179575856-GCCTGCAAGGCT-G.
Other names: c.27145_27155del, p.Ser9049fs (NM_001256850.1); c.28094_28104delGGAGCCTTGCA, p.Ser9366Profs (NM_001267550.1); c.24364_24374del, p.Ser8122fs (NM_133378.4); c.13282+26942_13282+26952del (NM_003319.4); c.13858+26942_13858+26952del (NM_133437.4); c.13657+26942_13657+26952del (NM_133432.3); short protein forms S8122fs, S9049fs, S9366fs.
Identifiers: ClinVar variation 4527818 (VCV004527818.2).